The following is an entry in ClinVar:

NM_006269.2(RP1):c.5350C>T (p.Pro1784Ser)

Genes: RP1 (RP1 axonemal microtubule associated; plus strand), LOC126860392 (CDK7 strongly-dependent group 2 enhancer GRCh37_chr8:55541319-55542518; plus strand). Cytogenetic location: 8q12.1.
Variant type: single nucleotide variant.
Coding change: c.5350C>T on transcript NM_006269.2 (MANE Select); coding-DNA position 5350, C replaced by T.
Protein change: p.Pro1784Ser; replaces proline 1784 with serine.
Molecular consequence: missense variant. On other transcripts: intron variant (1).
Genome position (GRCh38, 1-based): chr8:54,629,232, C>T. VCF-style: chr8-54629232-C-T. GRCh37 (hg19) VCF-style: chr8-55541792-C-T.
Other names: c.787+6944C>T (NM_001375654.1); short protein forms P1784S.
Identifiers: ClinVar variation 2142719 (VCV002142719.4), dbSNP rs1057038948, ClinGen allele CA177183439.

ClinVar aggregate classification (germline): Uncertain significance (1 of 4 stars; one submission).

Allele frequency attached by ClinVar (database versions not stated): gnomAD 0.00001; TOPMed 0.00002.
gnomAD v4.1: 5 of 1,613,910 alleles (0.00031%); highest among the groups gnomAD compares: African/African-American, 0.0067%; no homozygotes.

Submission:

Labcorp Genetics (formerly Invitae), Labcorp
Classification: Uncertain significance. Last evaluated: 2024-07-17. Review status: criteria provided, single submitter. Criteria: Invitae Variant Classification Sherloc (09022015). Collection method: clinical testing. Allele origin: germline.
Comment: This sequence change replaces proline, which is neutral and non-polar, with serine, which is neutral and polar, at codon 1784 of the RP1 protein (p.Pro1784Ser). This variant is not present in population databases (gnomAD no frequency). This variant has not been reported in the literature in individuals affected with RP1-related conditions. ClinVar contains an entry for this variant (Variation ID: 2142719). An algorithm developed to predict the effect of missense changes on protein structure and function outputs the following: PolyPhen-2: "Benign". The serine amino acid residue is found in multiple mammalian species, which suggests that this missense change does not adversely affect protein function. In summary, the available evidence is currently insufficient to determine the role of this variant in disease. Therefore, it has been classified as a Variant of Uncertain Significance.